The following is an entry in ClinVar:

ClinVar aggregate classification (germline): Uncertain significance. Review status: criteria provided, multiple submitters, no conflicts (2 of 4 stars). 3 submissions from 3 submitters: Uncertain significance (3). Last evaluated 2025-07-01.

Allele frequency attached by ClinVar (database versions not stated): TOPMed 0.00003.
gnomAD v4.1: 14 of 1,613,912 alleles (0.00087%); highest among the groups gnomAD compares: African/African-American, 0.0013%; no homozygotes.

Submissions (3):

CeGaT Center for Human Genetics Tuebingen
Classification: Uncertain significance. Last evaluated: 2025-07-01. Review status: criteria provided, single submitter. Criteria: CeGaT Center For Human Genetics Tuebingen Variant Classification Criteria Version 2. Collection method: clinical testing. Allele origin: germline. Affected: yes. Observed: 1 variant allele.
Comment: EFEMP1: PM2

Labcorp Genetics (formerly Invitae), Labcorp
Classification: Uncertain significance. Last evaluated: 2022-06-14. Review status: criteria provided, single submitter. Criteria: Invitae Variant Classification Sherloc (09022015). Collection method: clinical testing. Allele origin: germline.
Comment: In summary, the available evidence is currently insufficient to determine the role of this variant in disease. Therefore, it has been classified as a Variant of Uncertain Significance. Experimental studies have shown that this missense change does not substantially affect EFEMP1 function (PMID: 33542268). Algorithms developed to predict the effect of missense changes on protein structure and function are either unavailable or do not agree on the potential impact of this missense change (SIFT: "Deleterious"; PolyPhen-2: "Probably Damaging"; Align-GVGD: "Class C0"). ClinVar contains an entry for this variant (Variation ID: 866535). This variant has not been reported in the literature in individuals affected with EFEMP1-related conditions. This variant is present in population databases (no rsID available, gnomAD 0.007%). This sequence change replaces leucine, which is neutral and non-polar, with phenylalanine, which is neutral and non-polar, at codon 455 of the EFEMP1 protein (p.Leu455Phe).

Blueprint Genetics
Classification: Uncertain significance. Last evaluated: 2019-06-18. Review status: criteria provided, single submitter. Criteria: ACMG Guidelines, 2015. Collection method: clinical testing. Allele origin: germline.

Literature cited by the submitters: PubMed 33542268 (cited by Labcorp Genetics (formerly Invitae), Labcorp).

NM_001039348.3(EFEMP1):c.1365A>T (p.Leu455Phe)

Gene: EFEMP1 (EGF-like fibulin extracellular matrix protein 1; minus strand). Cytogenetic location: 2p16.1.
Variant type: single nucleotide variant.
Coding change: c.1365A>T on transcript NM_001039348.3 (MANE Select); coding-DNA position 1365, A replaced by T.
Protein change: p.Leu455Phe; replaces leucine 455 with phenylalanine.
Molecular consequence: missense variant.
Genome position (GRCh38, 1-based): chr2:55,867,190, T>A on the plus strand (A>T on the coding strand, the complement: EFEMP1 is on the minus strand). VCF-style: chr2-55867190-T-A. GRCh37 (hg19) VCF-style: chr2-56094325-T-A.
Other names: c.1365A>T, p.Leu455Phe (NM_001039349.3); short protein forms L455F.
Identifiers: ClinVar variation 866535 (VCV000866535.16), dbSNP rs758641385, ClinGen allele CA48122837.